The following is an entry in ClinVar:

NM_006206.6(PDGFRA):c.49+4C>T

Gene: PDGFRA (platelet derived growth factor receptor alpha; plus strand). Cytogenetic location: 4q12.
Variant type: single nucleotide variant.
Coding change: c.49+4C>T on transcript NM_006206.6 (MANE Select); 4 bases into the intron after coding-DNA position 49, C replaced by T.
Molecular consequence: intron variant.
Genome position (GRCh38, 1-based): chr4:54,258,821, C>T. VCF-style: chr4-54258821-C-T. GRCh37 (hg19) VCF-style: chr4-55124988-C-T.
Other names: c.124+4C>T (NM_001347828.2); c.49+4C>T (NM_001347827.2, NM_001347829.2); c.88+4C>T (NM_001347830.2).
Identifiers: ClinVar variation 240351 (VCV000240351.15), dbSNP rs756252598, ClinGen allele CA2922205.

ClinVar aggregate classification (germline): Uncertain significance. Review status: criteria provided, multiple submitters, no conflicts (2 of 4 stars). 2 submissions from 2 submitters: Uncertain significance (2). Last evaluated 2026-01-31.

Conditions:
Hereditary cancer-predisposing syndrome. Also called: Neoplastic Syndromes, Hereditary; Hereditary neoplastic syndrome; Hereditary Cancer Syndrome; Tumor predisposition. Identifiers: Orphanet 140162, MedGen C0027672, MeSH D009386, MONDO:0015356.
Gastrointestinal stromal tumor. Also called: Gastrointestinal stromal tumor, somatic; Gastrointestinal stroma tumor. Identifiers: Orphanet 44890, MedGen C0238198, MeSH D046152, MONDO:0011719, OMIM 606764, HP:0100723.

Allele frequency attached by ClinVar (database versions not stated): gnomAD exomes below 0.00001 and 0.00001; ExAC 0.00001; gnomAD 0.00003; TOPMed 0.00003.
gnomAD v4.1: 11 of 1,612,316 alleles (0.00068%); highest among the groups gnomAD compares: East Asian, 0.0022%; no homozygotes.

Submissions (2):

Labcorp Genetics (formerly Invitae), Labcorp
Classification: Uncertain significance for Gastrointestinal stromal tumor. Last evaluated: 2026-01-31. Review status: criteria provided, single submitter. Criteria: Invitae Variant Classification Sherloc (09022015). Collection method: clinical testing. Allele origin: germline.
Comment: This sequence change falls in intron 2 of the PDGFRA gene. It does not directly change the encoded amino acid sequence of the PDGFRA protein. It affects a nucleotide within the consensus splice site. This variant is present in population databases (rs756252598, gnomAD 0.005%). This variant has not been reported in the literature in individuals affected with PDGFRA-related conditions. ClinVar contains an entry for this variant (Variation ID: 240351). Variants that disrupt the consensus splice site are a relatively common cause of aberrant splicing (PMID: 17576681, 9536098). Algorithms developed to predict the effect of sequence changes on RNA splicing suggest that this variant is not likely to affect RNA splicing. In summary, the available evidence is currently insufficient to determine the role of this variant in disease. Therefore, it has been classified as a Variant of Uncertain Significance.

Ambry Genetics
Classification: Uncertain significance for Hereditary cancer-predisposing syndrome. Last evaluated: 2025-01-16. Review status: criteria provided, single submitter. Criteria: Ambry Variant Classification Scheme 2023. Collection method: clinical testing. Allele origin: germline.
Comment: The c.49+4C>T intronic variant results from a C to T substitution 4 nucleotides after coding exon 1 in the PDGFRA gene. This nucleotide position is poorly conserved in available vertebrate species. In silico splice site analysis predicts that this alteration will not have any significant effect on splicing. Based on the available evidence, the clinical significance of this variant remains unclear.

Literature cited by the submitters: PubMed 17576681 (cited by Labcorp Genetics (formerly Invitae), Labcorp); PubMed 9536098 (cited by Labcorp Genetics (formerly Invitae), Labcorp).